The following is an entry in ClinVar:

NM_001605.3(AARS1):c.1938C>G (p.Thr646=)

Gene: AARS1 (alanyl-tRNA synthetase 1; minus strand). Cytogenetic location: 16q22.1.
Variant type: single nucleotide variant.
Coding change: c.1938C>G on transcript NM_001605.3 (MANE Select); coding-DNA position 1938, C replaced by G.
Protein change: p.Thr646=; no amino-acid change (threonine 646 retained).
Molecular consequence: synonymous variant.
Genome position (GRCh38, 1-based): chr16:70,259,034, G>C on the plus strand (C>G on the coding strand, the complement: AARS1 is on the minus strand). VCF-style: chr16-70259034-G-C. GRCh37 (hg19) VCF-style: chr16-70292937-G-C.
Identifiers: ClinVar variation 699762 (VCV000699762.11), dbSNP rs147822575, ClinGen allele CA8140631.

ClinVar aggregate classification (germline): Benign/Likely benign. Review status: criteria provided, multiple submitters, no conflicts (2 of 4 stars). 2 submissions from 2 submitters: Benign (1); Likely benign (1). Last evaluated 2026-01-25.

Conditions:
AARS1-related disorder. Also called: AARS1-related condition.
Charcot-Marie-Tooth disease type 2. Also called: Charcot-Marie-Tooth type 2. Identifiers: Orphanet 64746, MedGen C0270914, MONDO:0018993.

Allele frequency attached by ClinVar (database versions not stated): ExAC 0.00006; gnomAD exomes 0.00006; gnomAD 0.00013 and 0.00014; TOPMed 0.00016; ESP Exome Variant Server 0.00023.

Submissions (2):

Labcorp Genetics (formerly Invitae), Labcorp
Classification: Benign for Charcot-Marie-Tooth disease type 2. Last evaluated: 2026-01-25. Review status: criteria provided, single submitter. Criteria: Invitae Variant Classification Sherloc (09022015). Collection method: clinical testing. Allele origin: germline.

PreventionGenetics, part of Exact Sciences
Classification: Likely benign for AARS1-related condition. Last evaluated: 2025-12-22. Review status: criteria provided, single submitter. Criteria: ACMG Guidelines, 2015. Collection method: clinical testing. Allele origin: germline.
Comment: This variant is classified as likely benign based on ACMG/AMP sequence variant interpretation guidelines (Richards et al. 2015 PMID: 25741868, with internal and published modifications).